The following is an entry in ClinVar:

ClinVar aggregate classification (germline): Conflicting classifications of pathogenicity. Review status: criteria provided, conflicting classifications (1 of 4 stars). 3 submissions from 3 submitters: Uncertain significance (2); Likely benign (1). Last evaluated 2021-12-14.

Conditions:
Hereditary breast ovarian cancer syndrome. Also called: Hereditary breast and ovarian cancer; Hereditary breast and/or ovarian cancer syndrome; BRCA1- and BRCA2-Associated Hereditary Breast and Ovarian Cancer; Hereditary breast and ovarian cancer syndrome; Hereditary breast and ovarian cancer syndrome (HBOC); Breast and ovarian cancer. Identifiers: Orphanet 145, MedGen C0677776, MeSH D061325, MONDO:0003582. Disease mechanism: loss of function.
Hereditary cancer-predisposing syndrome. Also called: Tumor predisposition; Hereditary Cancer Syndrome; Hereditary neoplastic syndrome; Neoplastic Syndromes, Hereditary. Identifiers: Orphanet 140162, MedGen C0027672, MeSH D009386, MONDO:0015356.

gnomAD v4.1: 3 of 1,614,178 alleles (0.00019%); highest among the groups gnomAD compares: Non-Finnish European, 0.00025%; no homozygotes.

Submissions (3):

Ambry Genetics
Classification: Uncertain significance for Hereditary cancer-predisposing syndrome. Last evaluated: 2021-12-14. Review status: criteria provided, single submitter. Criteria: Ambry Variant Classification Scheme 2023. Collection method: clinical testing. Allele origin: germline.
Comment: The p.S3375N variant (also known as c.10124G>A), located in coding exon 26 of the BRCA2 gene, results from a G to A substitution at nucleotide position 10124. The serine at codon 3375 is replaced by asparagine, an amino acid with highly similar properties. This amino acid position is conserved. In addition, this alteration is predicted to be tolerated by in silico analysis. Since supporting evidence is limited at this time, the clinical significance of this alteration remains unclear.

Labcorp Genetics (formerly Invitae), Labcorp
Classification: Uncertain significance for Hereditary breast ovarian cancer syndrome. Last evaluated: 2018-03-23. Review status: criteria provided, single submitter. Criteria: Invitae Variant Classification Sherloc (09022015). Collection method: clinical testing. Allele origin: germline.
Comment: This sequence change replaces serine with asparagine at codon 3375 of the BRCA2 protein (p.Ser3375Asn). The serine residue is moderately conserved and there is a small physicochemical difference between serine and asparagine. This variant is not present in population databases (ExAC no frequency). This variant has not been reported in the literature in individuals with BRCA2-related disease. ClinVar contains an entry for this variant (Variation ID: 409527). Algorithms developed to predict the effect of missense changes on protein structure and function output the following: SIFT: "Tolerated"; PolyPhen-2: "Benign"; Align-GVGD: "Class C0". The asparagine amino acid residue is found in multiple mammalian species, suggesting that this missense change does not adversely affect protein function. These predictions have not been confirmed by published functional studies and their clinical significance is uncertain. In summary, the available evidence is currently insufficient to determine the role of this variant in disease. Therefore, it has been classified as a Variant of Uncertain Significance.

GeneDx
Classification: Likely benign. Last evaluated: 2018-01-08. Review status: criteria provided, single submitter. Criteria: GeneDx Variant Classification (06012015). Collection method: clinical testing. Allele origin: germline. Affected: yes.
Comment: This variant is considered likely benign or benign based on one or more of the following criteria: it is a conservative change, it occurs at a poorly conserved position in the protein, it is predicted to be benign by multiple in silico algorithms, and/or has population frequency not consistent with disease.

NM_000059.4(BRCA2):c.10124G>A (p.Ser3375Asn)

Gene: BRCA2 (BRCA2 DNA repair associated; plus strand). Cytogenetic location: 13q13.1.
Variant type: single nucleotide variant.
Coding change: c.10124G>A on transcript NM_000059.4 (MANE Select); coding-DNA position 10124, G replaced by A.
Protein change: p.Ser3375Asn; replaces serine 3375 with asparagine.
Molecular consequence: missense variant.
Genome position (GRCh38, 1-based): chr13:32,398,637, G>A. VCF-style: chr13-32398637-G-A. GRCh37 (hg19) VCF-style: chr13-32972774-G-A.
Other names: short protein forms S3375N.
Identifiers: ClinVar variation 409527 (VCV000409527.11), dbSNP rs1060502452, ClinGen allele CA16614409.